The following is an entry in ClinVar:

NM_001289808.2(CRYAB):c.220A>G (p.Arg74Gly)

Gene: CRYAB (crystallin alpha B; minus strand). Cytogenetic location: 11q23.1.
Variant type: single nucleotide variant.
Coding change: c.220A>G on transcript NM_001289808.2 (MANE Select); coding-DNA position 220, A replaced by G.
Protein change: p.Arg74Gly; replaces arginine 74 with glycine.
Molecular consequence: missense variant.
Genome position (GRCh38, 1-based): chr11:111,910,431, T>C on the plus strand (A>G on the coding strand, the complement: CRYAB is on the minus strand). VCF-style: chr11-111910431-T-C. GRCh37 (hg19) VCF-style: chr11-111781155-T-C.
Other names: c.220A>G, p.Arg74Gly (NM_001289807.1, NM_001368245.1, NM_001885.3); c.19A>G, p.Arg7Gly (NM_001330379.1, NM_001368246.1); short protein forms R74G, R7G.
Identifiers: ClinVar variation 944026 (VCV000944026.9), dbSNP rs781913291, ClinGen allele CA382599619.

ClinVar aggregate classification (germline): Uncertain significance (1 of 4 stars; one submission).

Conditions:
Dilated cardiomyopathy 1II (CMD1II). Identifiers: Orphanet 154, MedGen C3554649, MONDO:0014073, OMIM 615184.

Submission:

Labcorp Genetics (formerly Invitae), Labcorp
Classification: Uncertain significance for Dilated cardiomyopathy 1II. Last evaluated: 2019-06-20. Review status: criteria provided, single submitter. Criteria: Invitae Variant Classification Sherloc (09022015). Collection method: clinical testing. Allele origin: germline.
Comment: This variant has not been reported in the literature in individuals with CRYAB-related conditions. In summary, the available evidence is currently insufficient to determine the role of this variant in disease. Therefore, it has been classified as a Variant of Uncertain Significance. Algorithms developed to predict the effect of missense changes on protein structure and function are either unavailable or do not agree on the potential impact of this missense change (SIFT: "Tolerated"; PolyPhen-2: "Possibly Damaging"; Align-GVGD: "Class C0"). This variant is not present in population databases (ExAC no frequency). This sequence change replaces arginine with glycine at codon 74 of the CRYAB protein (p.Arg74Gly). The arginine residue is moderately conserved and there is a moderate physicochemical difference between arginine and glycine.